The following is an entry in ClinVar:

ClinVar aggregate classification (germline): Likely benign (1 of 4 stars; one submission).

gnomAD v4.1: 46 of 1,614,068 alleles (0.0028%); highest among the groups gnomAD compares: East Asian, 0.0067%; no homozygotes.

Submission:

CeGaT Center for Human Genetics Tuebingen
Classification: Likely benign. Last evaluated: 2025-08-01. Review status: criteria provided, single submitter. Criteria: CeGaT Center For Human Genetics Tuebingen Variant Classification Criteria Version 2. Collection method: clinical testing. Allele origin: germline. Affected: yes. Observed: 1 variant allele.
Comment: SPTBN1: BP4, BP7

NM_003128.3(SPTBN1):c.6960G>A (p.Thr2320=)

Genes: SPTBN1 (spectrin beta, non-erythrocytic 1; plus strand), SPTBN1-AS2 (SPTBN1 antisense RNA 2; minus strand). Cytogenetic location: 2p16.2.
Variant type: single nucleotide variant.
Coding change: c.6960G>A on transcript NM_003128.3 (MANE Select); coding-DNA position 6960, G replaced by A.
Protein change: p.Thr2320=; no amino-acid change (threonine 2320 retained).
Molecular consequence: synonymous variant.
Genome position (GRCh38, 1-based): chr2:54,668,434, G>A. VCF-style: chr2-54668434-G-A. GRCh37 (hg19) VCF-style: chr2-54895571-G-A.
Identifiers: ClinVar variation 4084025 (VCV004084025.8).
Genomic context (GRCh38, chr2:54,668,434, plus strand): 5'-GGCTATCTCTTCCGCCATCTCCTCTGATAAACACGAGGTGTCTGCCAGCACCCAGAGCAC[G>A]CCAGCATCCAGCCGCGCGCAGACCCTCCCCACCAGCGTCGTCACCATCACCAGCGAGTCC-3'
Protein context (NP_003119.2, residues 2310-2330): KHEVSASTQS[Thr2320=]PASSRAQTLP